The following is an entry in ClinVar:

ClinVar aggregate classification (germline): Likely pathogenic (1 of 4 stars; one submission).

Conditions:
Methylmalonic aciduria due to methylmalonyl-CoA mutase deficiency (MAMM). Also called: Methylmalonic aciduria, mut type. Identifiers: Orphanet 27, MedGen C1855114, MONDO:0009612, OMIM 251000.

Submission:

Juno Genomics, Hangzhou Juno Genomics, Inc
Classification: Likely pathogenic for Methylmalonic aciduria due to methylmalonyl-CoA mutase deficiency. Review status: criteria provided, single submitter. Criteria: ACMG Guidelines, 2015. Collection method: clinical testing. Allele origin: germline.
Comment: Null variant in a gene where loss of function (LOF) is a known mechanism of disease.;Absent from controls (or at extremely low frequency if recessive) in Genome Aggregation Database.

NM_000255.4(MMUT):c.287_288del (p.Tyr96fs)

Gene: MMUT (methylmalonyl-CoA mutase; minus strand). Cytogenetic location: 6p12.3.
Variant type: Microsatellite.
Coding change: c.287_288del on transcript NM_000255.4 (MANE Select); coding-DNA positions 287 to 288, 2 bases deleted (AT; older notation c.287_288delAT).
Protein change: p.Tyr96fs; shifts the reading frame from tyrosine 96.
Molecular consequence: frameshift variant.
Genome position (GRCh38, 1-based): chr6:49,459,179-49,459,180, AT deleted on the plus strand (AT on the coding strand, the reverse complement: MMUT is on the minus strand); deleting any 2 consecutive bases within chr6:49,459,179-49,459,182 gives the same sequence; the c. name uses the placement nearest the transcript's 3' end. VCF-style (leftmost placement, unchanged base first): chr6-49459178-GAT-G. GRCh37 (hg19) VCF-style: chr6-49426891-GAT-G.
Other names: short protein forms Y96fs.
Identifiers: ClinVar variation 5007072 (VCV005007072.2).